The following is an entry in ClinVar:

ClinVar aggregate classification (germline): Likely benign. Review status: criteria provided, multiple submitters, no conflicts (2 of 4 stars). 3 submissions from 3 submitters: Likely benign (3). Last evaluated 2025-03-10.

Conditions:
Autosomal recessive limb-girdle muscular dystrophy type 2Q (LGMDR17). Also called: MUSCULAR DYSTROPHY, LIMB-GIRDLE, AUTOSOMAL RECESSIVE 17. Identifiers: Orphanet 254361, MedGen C3150989, MONDO:0013390, OMIM 613723.
Epidermolysis bullosa simplex with nail dystrophy (EBS5D). Identifiers: MedGen C4225309, MONDO:0014661, OMIM 616487.
Epidermolysis bullosa simplex 5B, with muscular dystrophy (EBS5B). Also called: Epidermolysis bullosa simplex with muscular dystrophy; EPIDERMOLYSIS BULLOSA SIMPLEX AND LIMB-GIRDLE MUSCULAR DYSTROPHY. Identifiers: Orphanet 257, MedGen C2931072, MONDO:0009181, OMIM 226670.
Epidermolysis bullosa simplex, Ogna type (EBS5A). Also called: EPIDERMOLYSIS BULLOSA SIMPLEX 5A, OGNA TYPE; Pidermolysis bullosa simplex 5A, Ogna type. Identifiers: Orphanet 79401, MedGen C0432317, MONDO:0007555, OMIM 131950.
Epidermolysis bullosa simplex 5C, with pyloric atresia (EBS5C). Also called: PLEC-Related Epidermolysis Bullosa with Pyloric Atresia; PLEC1-Related Epidermolysis Bullosa with Pyloric Atresia; Epidermolysis bullosa simplex with pyloric atresia. Identifiers: Orphanet 158684, MedGen C2677349, MONDO:0012807, OMIM 612138.

Allele frequency attached by ClinVar (database versions not stated): gnomAD exomes 0.00002; ExAC 0.00003; gnomAD 0.00003; TOPMed 0.00009; ESP Exome Variant Server 0.00024; 1000 Genomes Project 0.00040; 1000 Genomes Project 30x 0.00047.
gnomAD v4.1: 42 of 1,613,372 alleles (0.0026%); highest among the groups gnomAD compares: East Asian, 0.042%; no homozygotes.

Submissions (3):

Labcorp Genetics (formerly Invitae), Labcorp
Classification: Likely benign for Autosomal recessive limb-girdle muscular dystrophy type 2Q; Epidermolysis bullosa simplex, Ogna type; Epidermolysis bullosa simplex with nail dystrophy; Epidermolysis bullosa simplex 5C, with pyloric atresia; Epidermolysis bullosa simplex 5B, with muscular dystrophy. Last evaluated: 2025-03-10. Review status: criteria provided, single submitter. Criteria: Invitae Variant Classification Sherloc (09022015). Collection method: clinical testing. Allele origin: germline.

CeGaT Center for Human Genetics Tuebingen
Classification: Likely benign. Last evaluated: 2023-03-01. Review status: criteria provided, single submitter. Criteria: CeGaT Center For Human Genetics Tuebingen Variant Classification Criteria Version 2. Collection method: clinical testing. Allele origin: germline. Affected: yes. Observed: 1 variant allele.
Comment: PLEC: BP4, BP7

GeneDx
Classification: Likely benign. Last evaluated: 2018-05-09. Review status: criteria provided, single submitter. Criteria: GeneDx Variant Classification (06012015). Collection method: clinical testing. Allele origin: germline. Affected: yes.
Comment: This variant is considered likely benign or benign based on one or more of the following criteria: it is a conservative change, it occurs at a poorly conserved position in the protein, it is predicted to be benign by multiple in silico algorithms, and/or has population frequency not consistent with disease.

NM_201384.3(PLEC):c.8448C>T (p.Ile2816=)

Gene: PLEC (plectin; minus strand). Cytogenetic location: 8q24.3.
Variant type: single nucleotide variant.
Coding change: c.8448C>T on transcript NM_201384.3 (MANE Select); coding-DNA position 8448, C replaced by T.
Protein change: p.Ile2816=; no amino-acid change (isoleucine 2816 retained).
Molecular consequence: synonymous variant.
Genome position (GRCh38, 1-based): chr8:143,921,373, G>A on the plus strand (C>T on the coding strand, the complement: PLEC is on the minus strand). VCF-style: chr8-143921373-G-A. GRCh37 (hg19) VCF-style: chr8-144995541-G-A.
Other names: c.8529C>T, p.Ile2843= (NM_000445.5); c.8406C>T, p.Ile2802= (NM_201378.4); c.8382C>T, p.Ile2794= (NM_201379.3); c.8859C>T, p.Ile2953= (NM_201380.4); c.8352C>T, p.Ile2784= (NM_201381.3); c.8448C>T, p.Ile2816= (NM_201382.4); c.8460C>T, p.Ile2820= (NM_201383.3).
Identifiers: ClinVar variation 668196 (VCV000668196.32), dbSNP rs368120516, ClinGen allele CA4925307.